The following is an entry in ClinVar:

NM_004260.4(RECQL4):c.2398C>G (p.Gln800Glu)

Gene: RECQL4 (RecQ like helicase 4; minus strand). Cytogenetic location: 8q24.3.
Variant type: single nucleotide variant.
Coding change: c.2398C>G on transcript NM_004260.4 (MANE Select); coding-DNA position 2398, C replaced by G.
Protein change: p.Gln800Glu; replaces glutamine 800 with glutamic acid.
Molecular consequence: missense variant.
Genome position (GRCh38, 1-based): chr8:144,513,283, G>C on the plus strand (C>G on the coding strand, the complement: RECQL4 is on the minus strand). VCF-style: chr8-144513283-G-C. GRCh37 (hg19) VCF-style: chr8-145738666-G-C.
Other names: short protein forms Q800E.
Identifiers: ClinVar variation 834927 (VCV000834927.5), dbSNP rs1206089987, ClinGen allele CA372678207.

ClinVar aggregate classification (germline): Uncertain significance (1 of 4 stars; one submission).

Conditions:
Baller-Gerold syndrome (BGS). Also called: CRANIOSYNOSTOSIS WITH RADIAL DEFECTS. Identifiers: Orphanet 1225, MedGen C0265308, MONDO:0009039, OMIM 218600.

Submission:

Labcorp Genetics (formerly Invitae), Labcorp
Classification: Uncertain significance for Baller-Gerold syndrome. Last evaluated: 2019-03-07. Review status: criteria provided, single submitter. Criteria: Invitae Variant Classification Sherloc (09022015). Collection method: clinical testing. Allele origin: germline.
Comment: In summary, the available evidence is currently insufficient to determine the role of this variant in disease. Therefore, it has been classified as a Variant of Uncertain Significance. Algorithms developed to predict the effect of missense changes on protein structure and function are either unavailable or do not agree on the potential impact of this missense change (SIFT: "Deleterious"; PolyPhen-2: "Not Available"; Align-GVGD: "Class C25"). This variant has not been reported in the literature in individuals with RECQL4-related conditions. This variant is not present in population databases (ExAC no frequency). This sequence change replaces glutamine with glutamic acid at codon 800 of the RECQL4 protein (p.Gln800Glu). The glutamine residue is highly conserved and there is a small physicochemical difference between glutamine and glutamic acid.